The following is an entry in ClinVar:

ClinVar aggregate classification (germline): Uncertain significance (1 of 4 stars; one submission).

Allele frequency attached by ClinVar (database versions not stated): gnomAD exomes below 0.00001.
gnomAD v4.1: 1 of 1,613,684 alleles (0.000062%); highest among the groups gnomAD compares: Non-Finnish European, 0.000085%; no homozygotes.

Submission:

CeGaT Center for Human Genetics Tuebingen
Classification: Uncertain significance. Last evaluated: 2024-03-01. Review status: criteria provided, single submitter. Criteria: CeGaT Center For Human Genetics Tuebingen Variant Classification Criteria Version 2. Collection method: clinical testing. Allele origin: germline. Affected: yes. Observed: 1 variant allele.
Comment: ZNF292: PM2:Supporting, BP4

NM_015021.3(ZNF292):c.4917T>C (p.Ile1639=)

Gene: ZNF292 (zinc finger protein 292; plus strand). Cytogenetic location: 6q14.3.
Variant type: single nucleotide variant.
Coding change: c.4917T>C on transcript NM_015021.3 (MANE Select); coding-DNA position 4917, T replaced by C.
Protein change: p.Ile1639=; no amino-acid change (isoleucine 1639 retained).
Molecular consequence: synonymous variant.
Genome position (GRCh38, 1-based): chr6:87,258,546, T>C. VCF-style: chr6-87258546-T-C. GRCh37 (hg19) VCF-style: chr6-87968264-T-C.
Other names: c.4497T>C, p.Ile1499= (NM_001351444.2).
Identifiers: ClinVar variation 3067654 (VCV003067654.21), dbSNP rs2482335466, ClinGen allele CA451344984.
Genomic context (GRCh38, chr6:87,258,546, plus strand): 5'-TTTAAATAAAAAGGGAAACAGTGCTTCTAAGAGAAGAAAGAAAGTTGCTCCTCCACTAAT[T>C]GCACCTAACGCTTCCCAAAACTTGGTAACAAGTGACTTAACAACAATGGGACTCATAGCA-3'
Protein context (NP_055836.1, residues 1629-1649): KRRKKVAPPL[Ile1639=]APNASQNLVT